The following is an entry in ClinVar:

ClinVar aggregate classification (germline): Uncertain significance (1 of 4 stars; one submission).

Conditions:
Severe combined immunodeficiency due to IKK2 deficiency. Also called: Immunodeficiency 15; IMMUNODEFICIENCY 15B. Identifiers: Orphanet 397787, MedGen C4747743, MONDO:0014267, OMIM 615592.

Submission:

Labcorp Genetics (formerly Invitae), Labcorp
Classification: Uncertain significance for Severe combined immunodeficiency due to IKK2 deficiency. Last evaluated: 2022-09-02. Review status: criteria provided, single submitter. Criteria: Invitae Variant Classification Sherloc (09022015). Collection method: clinical testing. Allele origin: germline.
Comment: Advanced modeling of protein sequence and biophysical properties (such as structural, functional, and spatial information, amino acid conservation, physicochemical variation, residue mobility, and thermodynamic stability) performed at Invitae indicates that this missense variant is not expected to disrupt IKBKB protein function. This variant is not present in population databases (gnomAD no frequency). This variant has not been reported in the literature in individuals affected with IKBKB-related conditions. In summary, the available evidence is currently insufficient to determine the role of this variant in disease. Therefore, it has been classified as a Variant of Uncertain Significance. This sequence change replaces serine, which is neutral and polar, with arginine, which is basic and polar, at codon 587 of the IKBKB protein (p.Ser587Arg).

NM_001556.3(IKBKB):c.1761T>G (p.Ser587Arg)

Gene: IKBKB (inhibitor of nuclear factor kappa B kinase subunit beta; plus strand). Cytogenetic location: 8p11.21.
Variant type: single nucleotide variant.
Coding change: c.1761T>G on transcript NM_001556.3 (MANE Select); coding-DNA position 1761, T replaced by G.
Protein change: p.Ser587Arg; replaces serine 587 with arginine.
Molecular consequence: missense variant. On other transcripts: non-coding transcript variant (3).
Genome position (GRCh38, 1-based): chr8:42,322,076, T>G. VCF-style: chr8-42322076-T-G. GRCh37 (hg19) VCF-style: chr8-42179594-T-G.
Other names: c.1569T>G, p.Ser523Arg (NM_001190720.3); c.1584T>G, p.Ser528Arg (NM_001242778.2); short protein forms S523R, S528R, S587R.
Identifiers: ClinVar variation 1718652 (VCV001718652.6), dbSNP rs2487734617, ClinGen allele CA371092263.